The following is an entry in ClinVar:

ClinVar aggregate classification (germline): Pathogenic. Review status: criteria provided, single submitter (1 of 4 stars). 2 submissions from 2 submitters: Pathogenic (1). 1 of the submissions does not count toward it. Last evaluated 2024-01-12.

Conditions:
ZTTK syndrome (ZTTKS). Also called: ZTTK MULTIPLE CONGENITAL ANOMALIES-MENTAL RETARDATION SYNDROME; Zhu-Tokita-Takenouchi-Kim Syndrome. Identifiers: Orphanet 500150, MedGen C4310696, MONDO:0014936, OMIM 617140.

Submissions (2):

3billion
Classification: Pathogenic for ZTTK syndrome. Last evaluated: 2024-01-12. Review status: criteria provided, single submitter. Criteria: ACMG Guidelines, 2015. Collection method: clinical testing. Allele origin: germline. Affected: yes.
Comment: The variant is not observed in the gnomAD v2.1.1 dataset. Predicted Consequence/Location: Frameshift: predicted to result in a loss or disruption of normal protein function through nonsense-mediated decay (NMD) or protein truncation. Multiple pathogenic variants are reported downstream of the variant. The variant has been reported to be associated with SON related disorder (ClinVar ID: VCV000617860 /PMID: 27545680). Therefore, this variant is classified as Pathogenic according to the recommendation of ACMG/AMP guideline.

University of Washington Center for Mendelian Genomics, University of Washington
Classification: Likely pathogenic for ZTTK syndrome. Last evaluated: 2016-09-01. Review status: no assertion criteria provided. Collection method: research. Allele origin: unknown. Affected: yes. Observed: 1 heterozygote. Not counted in ClinVar's aggregate classification.

Literature cited by the submitters: PubMed 27545680 (cited by 3billion and University of Washington Center for Mendelian Genomics, University of Washington).

NM_138927.4(SON):c.1881_1882del (p.Val629fs)

Gene: SON (SON DNA and RNA binding protein; plus strand). Cytogenetic location: 21q22.11.
Variant type: Deletion.
Coding change: c.1881_1882del on transcript NM_138927.4 (MANE Select); coding-DNA positions 1881 to 1882, 2 bases deleted (AG; older notation c.1881_1882delAG).
Protein change: p.Val629fs; shifts the reading frame from valine 629.
Molecular consequence: frameshift variant. On other transcripts: non-coding transcript variant (1), intron variant (1).
Genome position (GRCh38, 1-based): chr21:33,551,112-33,551,113, AG deleted. VCF-style (leftmost placement, unchanged base first): chr21-33551111-CAG-C. GRCh37 (hg19) VCF-style: chr21-34923417-CAG-C.
Other names: c.1881_1882del, p.Val629fs (NM_001291411.2, NM_032195.3); c.244+4733_244+4734del (NM_001291412.3); short protein forms V629fs.
Identifiers: ClinVar variation 617860 (VCV000617860.2), dbSNP rs1569053308, ClinGen allele CA913190693.